The following is an entry in ClinVar:

ClinVar aggregate classification (germline): Likely pathogenic (1 of 4 stars; one submission).

Conditions:
Familial dysautonomia. Also called: HSAN III; FD. Identifiers: Orphanet 1764, MedGen C0013364, MONDO:0009131, OMIM 223900. Disease mechanism: loss of function.

Submission:

Natera, Inc.
Classification: Likely pathogenic for Familial dysautonomia. Last evaluated: 2024-07-05. Review status: criteria provided, single submitter. Criteria: Natera Variant Classification Schema (03/2026). Collection method: clinical testing. Allele origin: germline.
Comment: The c.2861-1G>A variant in ELP1 is a canonical splice acceptor site variant predicted to affect pre-mRNA splicing, which may result in an abnormal transcript and altered protein product. This variant is expected to result in nonsense mediated decay, truncation, or a dysfunctional protein product. This variant is rare in the general population with a frequency below the threshold expected for the associated phenotype(s). Given the available evidence, this variant is classified as Likely Pathogenic.

NM_003640.5(ELP1):c.2861-1G>A

Gene: ELP1 (elongator acetyltransferase complex subunit 1; minus strand). Cytogenetic location: 9q31.3.
Variant type: single nucleotide variant.
Coding change: c.2861-1G>A on transcript NM_003640.5 (MANE Select); the canonical splice acceptor site of the intron before coding-DNA position 2861, G replaced by A.
Molecular consequence: splice acceptor variant.
Genome position (GRCh38, 1-based): chr9:108,893,084, C>T on the plus strand (G>A on the coding strand, the complement: ELP1 is on the minus strand). VCF-style: chr9-108893084-C-T. GRCh37 (hg19) VCF-style: chr9-111655364-C-T.
Other names: c.2519-1G>A (NM_001318360.2); c.1814-1G>A (NM_001330749.2).
Identifiers: ClinVar variation 4815210 (VCV004815210.1).